The following is an entry in ClinVar:

ClinVar aggregate classification (germline): Likely pathogenic (1 of 4 stars; one submission).

Conditions:
KBG syndrome (KBGS). Also called: ANKRD11-Related KBG Syndrome. Identifiers: Orphanet 2332, MedGen C0220687, MONDO:0007846, OMIM 148050.

Submission:

Juno Genomics, Hangzhou Juno Genomics, Inc
Classification: Likely pathogenic for KBG syndrome. Review status: criteria provided, single submitter. Criteria: ACMG Guidelines, 2015. Collection method: clinical testing. Allele origin: germline. Affected: yes.
Comment: Absent from controls (or at extremely low frequency if recessive) in Genome Aggregation Database.;Null variant in a gene where loss of function (LOF) is a known mechanism of disease.;De novo (both maternity and paternity confirmed) in a patient with the disease and no family history.

NM_013275.6(ANKRD11):c.7713+1G>A

Gene: ANKRD11 (ankyrin repeat domain 11; minus strand). Cytogenetic location: 16q24.3.
Variant type: single nucleotide variant.
Coding change: c.7713+1G>A on transcript NM_013275.6 (MANE Select); the canonical splice donor site of the intron after coding-DNA position 7713, G replaced by A.
Molecular consequence: splice donor variant.
Genome position (GRCh38, 1-based): chr16:89,274,813, C>T on the plus strand (G>A on the coding strand, the complement: ANKRD11 is on the minus strand). VCF-style: chr16-89274813-C-T. GRCh37 (hg19) VCF-style: chr16-89341221-C-T.
Other names: c.7713+1G>A (NM_001256183.2, NM_001256182.2).
Identifiers: ClinVar variation 5019813 (VCV005019813.1).
Genomic context (GRCh38, chr16:89,274,813, plus strand): 5'-GGGGAGGCGGGCAGGGTGCAGGCACTTGGACTCATGGGCCTGGCATGCAGACGGGCCCTA[C>T]CTGGCTCTCCAGGGGCATGTTGTAGACCTCGGAGTCCAGCAGCATCGTGCAGGCGCTGAA-3'